The following is an entry in ClinVar:

ClinVar aggregate classification (germline): Uncertain significance (1 of 4 stars; one submission).

Submission:

Ambry Genetics
Classification: Uncertain significance. Last evaluated: 2023-07-05. Review status: criteria provided, single submitter. Criteria: Ambry Variant Classification Scheme 2023. Collection method: clinical testing. Allele origin: germline.
Comment: The p.G678V variant (also known as c.2033G>T), located in coding exon 4 of the ALPK2 gene, results from a G to T substitution at nucleotide position 2033. The glycine at codon 678 is replaced by valine, an amino acid with dissimilar properties. This amino acid position is conserved. In addition, this alteration is predicted to be tolerated by in silico analysis. Since supporting evidence is limited at this time, the clinical significance of this alteration remains unclear.

NM_052947.4(ALPK2):c.2033G>T (p.Gly678Val)

Gene: ALPK2 (alpha kinase 2; minus strand). Cytogenetic location: 18q21.31.
Variant type: single nucleotide variant.
Coding change: c.2033G>T on transcript NM_052947.4 (MANE Select); coding-DNA position 2033, G replaced by T.
Protein change: p.Gly678Val; replaces glycine 678 with valine.
Molecular consequence: missense variant.
Genome position (GRCh38, 1-based): chr18:58,538,154, C>A on the plus strand (G>T on the coding strand, the complement: ALPK2 is on the minus strand). VCF-style: chr18-58538154-C-A. GRCh37 (hg19) VCF-style: chr18-56205386-C-A.
Other names: short protein forms G678V.
Identifiers: ClinVar variation 2625987 (VCV002625987.2), dbSNP rs2518878213, ClinGen allele CA402571850.